The following is an entry in ClinVar:

NM_018684.4(ZC4H2):c.208C>T (p.His70Tyr)

Gene: ZC4H2 (zinc finger C4H2-type containing; minus strand). Cytogenetic location: Xq11.2.
Variant type: single nucleotide variant.
Coding change: c.208C>T on transcript NM_018684.4 (MANE Select); coding-DNA position 208, C replaced by T.
Protein change: p.His70Tyr; replaces histidine 70 with tyrosine.
Molecular consequence: missense variant. On other transcripts: non-coding transcript variant (1).
Genome position (GRCh38, 1-based): chrX:64,921,834, G>A on the plus strand (C>T on the coding strand, the complement: ZC4H2 is on the minus strand). VCF-style: chrX-64921834-G-A. GRCh37 (hg19) VCF-style: chrX-64141714-G-A.
Other names: c.139C>T, p.His47Tyr (NM_001178032.3, NM_001243804.2); c.208C>T, p.His70Tyr (NM_001178033.3); short protein forms H47Y, H70Y.
Identifiers: ClinVar variation 3340477 (VCV003340477.2).

ClinVar aggregate classification (germline): Likely pathogenic (1 of 4 stars; one submission).

Conditions:
Wieacker-Wolff syndrome. Also called: MENTAL RETARDATION, X-LINKED, SYNDROMIC 4; MENTAL RETARDATION, X-LINKED, WITH CONGENITAL CONTRACTURES AND LOW FINGERTIP ARCHES; Wieacker-Wolff, X-linked recessive; APRAXIA, OCULOMOTOR, WITH CONGENITAL CONTRACTURES AND MUSCLE ATROPHY; CONTRACTURES OF FEET, MUSCLE ATROPHY, AND OCULOMOTOR APRAXIA; Intellectual disability-developmental delay-contractures syndrome. Identifiers: Orphanet 3454, Orphanet 85283, MedGen C0796200, MONDO:0010758, OMIM 314580.

Submission:

Kasturba Medical College, Manipal, Kasturba Medical College, Manipal, Manipal Academy of Higher Education, Manipal, India
Classification: Likely pathogenic for Wieacker-Wolff syndrome. Review status: criteria provided, single submitter. Criteria: ACMG Guidelines, 2015. Collection method: clinical testing. Allele origin: maternal. Inheritance: X-linked recessive inheritance. Affected: yes. Observed: 1 hemizygote.
Comment: In silico prediction tools (MutationTaster, CADD phred, and REVEL) are consistent in predicting the variant to be damaging to ZC4H2 protein function.